The following is an entry in ClinVar:

ClinVar aggregate classification (germline): Benign. Review status: criteria provided, multiple submitters, no conflicts (2 of 4 stars). 3 submissions from 3 submitters: Benign (3). Last evaluated 2024-01-24.

Allele frequency attached by ClinVar (database versions not stated): ESP Exome Variant Server 0.05590; gnomAD 0.07866 and 0.08599; gnomAD exomes 0.09461; TOPMed 0.09467; 1000 Genomes Project 30x 0.16989; 1000 Genomes Project 0.17572.
gnomAD v4.1: 80,929 of 869,190 alleles (9.3%); highest among the groups gnomAD compares: East Asian, 49%; 7,979 homozygotes.

Submissions (3):

Unidad de Genómica Garrahan, Hospital de Pediatría Garrahan
Classification: Benign. Last evaluated: 2024-01-24. Review status: criteria provided, single submitter. Criteria: ACMG Guidelines, 2015. Collection method: clinical testing. Allele origin: germline. Affected: no. Observed: 33 variant alleles.
Comment: This variant is classified as Benign based on local population frequency. This variant was detected in 38% of patients studied by a panel of primary immunodeficiencies. Number of patients: 33. Only high quality variants are reported.

GeneDx
Classification: Benign. Last evaluated: 2021-05-12. Review status: criteria provided, single submitter. Criteria: GeneDx Variant Classification Process June 2021. Collection method: clinical testing. Allele origin: germline. Affected: yes.

Breakthrough Genomics
Classification: Benign. Review status: criteria provided, single submitter. Criteria: ACMG Guidelines, 2015. Collection method: not provided. Allele origin: germline. Inheritance: Autosomal recessive inheritance. Affected: yes.

NM_017671.5(FERMT1):c.1139+76A>G

Gene: FERMT1 (FERM domain containing kindlin 1; minus strand). Cytogenetic location: 20p12.3.
Variant type: single nucleotide variant.
Coding change: c.1139+76A>G on transcript NM_017671.5 (MANE Select); 76 bases into the intron after coding-DNA position 1139, A replaced by G.
Molecular consequence: intron variant.
Genome position (GRCh38, 1-based): chr20:6,094,863, T>C on the plus strand (A>G on the coding strand, the complement: FERMT1 is on the minus strand). VCF-style: chr20-6094863-T-C. GRCh37 (hg19) VCF-style: chr20-6075510-T-C.
Identifiers: ClinVar variation 1229105 (VCV001229105.6), dbSNP rs2144938, ClinGen allele CA311217313.